The following is an entry in ClinVar:

NM_003477.3(PDHX):c.1503C>T (p.Ala501=)

Gene: PDHX (pyruvate dehydrogenase complex component X; plus strand). Cytogenetic location: 11p13.
Variant type: single nucleotide variant.
Coding change: c.1503C>T on transcript NM_003477.3 (MANE Select); coding-DNA position 1503, C replaced by T.
Protein change: p.Ala501=; no amino-acid change (alanine 501 retained).
Molecular consequence: synonymous variant.
Genome position (GRCh38, 1-based): chr11:34,995,169, C>T. VCF-style: chr11-34995169-C-T. GRCh37 (hg19) VCF-style: chr11-35016716-C-T.
Other names: c.1323C>T, p.Ala441= (NM_001135024.2); c.822C>T, p.Ala274= (NM_001166158.2).
Identifiers: ClinVar variation 378348 (VCV000378348.13), dbSNP rs151049569, ClinGen allele CA5946210.

ClinVar aggregate classification (germline): Benign/Likely benign. Review status: criteria provided, multiple submitters, no conflicts (2 of 4 stars). 4 submissions from 4 submitters: Benign (2); Likely benign (1). 1 of the submissions does not count toward it. Last evaluated 2025-12-17.

Conditions:
PDHX-related disorder. Also called: PDHX-related condition.

Allele frequency attached by ClinVar (database versions not stated): gnomAD exomes 0.00022; ExAC 0.00028; 1000 Genomes Project 30x 0.00031; 1000 Genomes Project 0.00040; gnomAD 0.00078 and 0.00083; ESP Exome Variant Server 0.00092; TOPMed 0.00092.
gnomAD v4.1: 218 of 1,613,682 alleles (0.014%); highest among the groups gnomAD compares: African/African-American, 0.23%; no homozygotes.

Submissions (4):

Labcorp Genetics (formerly Invitae), Labcorp
Classification: Benign. Last evaluated: 2025-12-17. Review status: criteria provided, single submitter. Criteria: Invitae Variant Classification Sherloc (09022015). Collection method: clinical testing. Allele origin: germline.

Blueprint Genetics
Classification: Likely benign. Last evaluated: 2024-10-09. Review status: criteria provided, single submitter. Criteria: ACMG Guidelines, 2015. Collection method: clinical testing. Allele origin: germline.

GeneDx
Classification: Benign. Last evaluated: 2015-06-09. Review status: criteria provided, single submitter. Criteria: GeneDx Variant Classification (06012015). Collection method: clinical testing. Allele origin: germline. Affected: yes.
Comment: This variant is considered likely benign or benign based on one or more of the following criteria: it is a conservative change, it occurs at a poorly conserved position in the protein, it is predicted to be benign by multiple in silico algorithms, and/or has population frequency not consistent with disease.

PreventionGenetics, part of Exact Sciences
Classification: Likely benign for PDHX-related condition. Last evaluated: 2019-08-23. Review status: no assertion criteria provided. Collection method: clinical testing. Allele origin: germline. Not counted in ClinVar's aggregate classification.
Comment: This variant is classified as likely benign based on ACMG/AMP sequence variant interpretation guidelines (Richards et al. 2015 PMID: 25741868, with internal and published modifications).